The following is an entry in ClinVar:

ClinVar aggregate classification (germline): Conflicting classifications of pathogenicity. Review status: criteria provided, conflicting classifications (1 of 4 stars). 2 submissions from 2 submitters: Pathogenic (1); Uncertain significance (1). Last evaluated 2023-07-28.

Conditions:
Hyperlipidemia, familial combined, LPL related (FCHL3). Also called: Hyperapobetalipoproteinemia. Identifiers: MedGen C0020474, MONDO:0007759, OMIM 144250, HP:0008158.

gnomAD v4.1: 1 of 1,614,158 alleles (0.000062%); highest among the groups gnomAD compares: South Asian, 0.0011%; no homozygotes.

Submissions (2):

Labcorp Genetics (formerly Invitae), Labcorp
Classification: Uncertain significance. Last evaluated: 2023-07-28. Review status: criteria provided, single submitter. Criteria: Invitae Variant Classification Sherloc (09022015). Collection method: clinical testing. Allele origin: germline.
Comment: In summary, the available evidence is currently insufficient to determine the role of this variant in disease. Therefore, it has been classified as a Variant of Uncertain Significance. This variant disrupts the p.Ala288 amino acid residue in LPL. Other variant(s) that disrupt this residue have been determined to be pathogenic (PMID: 8077845, 35309119). This suggests that this residue is clinically significant, and that variants that disrupt this residue are likely to be disease-causing. Advanced modeling of protein sequence and biophysical properties (such as structural, functional, and spatial information, amino acid conservation, physicochemical variation, residue mobility, and thermodynamic stability) performed at Invitae indicates that this missense variant is expected to disrupt LPL protein function. ClinVar contains an entry for this variant (Variation ID: 1685931). This variant has not been reported in the literature in individuals affected with LPL-related conditions. This variant is not present in population databases (gnomAD no frequency). This sequence change replaces alanine, which is neutral and non-polar, with proline, which is neutral and non-polar, at codon 288 of the LPL protein (p.Ala288Pro).

Mendelics
Classification: Pathogenic for Hyperlipidemia, familial combined, LPL related. Last evaluated: 2022-05-04. Review status: criteria provided, single submitter. Criteria: Mendelics Assertion Criteria 2019. Collection method: clinical testing. Allele origin: germline.

Literature cited by the submitters: PubMed 8077845 (cited by Labcorp Genetics (formerly Invitae), Labcorp); PubMed 35309119 (cited by Labcorp Genetics (formerly Invitae), Labcorp).

NM_000237.3(LPL):c.862G>C (p.Ala288Pro)

Gene: LPL (lipoprotein lipase; plus strand). Cytogenetic location: 8p21.3.
Variant type: single nucleotide variant.
Coding change: c.862G>C on transcript NM_000237.3 (MANE Select); coding-DNA position 862, G replaced by C.
Protein change: p.Ala288Pro; replaces alanine 288 with proline.
Molecular consequence: missense variant.
Genome position (GRCh38, 1-based): chr8:19,955,927, G>C. VCF-style: chr8-19955927-G-C. GRCh37 (hg19) VCF-style: chr8-19813438-G-C.
Other names: short protein forms A288P.
Identifiers: ClinVar variation 1685931 (VCV001685931.4), dbSNP rs1800011, ClinGen allele CA4655550.
Genomic context (GRCh38, chr8:19,955,927, plus strand): 5'-CACGAGCGCTCCATTCATCTCTTCATCGACTCTCTGTTGAATGAAGAAAATCCAAGTAAG[G>C]CCTACAGGTGCAGTTCCAAGGAAGCCTTTGAGAAAGGGCTCTGCTTGAGTTGTAGAAAGA-3'
Protein context (NP_000228.1, residues 278-298): SLLNEENPSK[Ala288Pro]YRCSSKEAFE